The following is an entry in ClinVar:

ClinVar aggregate classification (germline): Uncertain significance (1 of 4 stars; one submission).

Conditions:
Walker-Warburg congenital muscular dystrophy. Also called: Muscular dystrophy-dystroglycanopathy, type A; Walker-Warburg syndrome. Identifiers: Orphanet 899, MedGen C0265221, MONDO:0000171.

Submission:

Labcorp Genetics (formerly Invitae), Labcorp
Classification: Uncertain significance for Walker-Warburg congenital muscular dystrophy. Last evaluated: 2025-04-26. Review status: criteria provided, single submitter. Criteria: Invitae Variant Classification Sherloc (09022015). Collection method: clinical testing. Allele origin: germline.
Comment: This sequence change replaces arginine, which is basic and polar, with serine, which is neutral and polar, at codon 339 of the FKRP protein (p.Arg339Ser). This variant is not present in population databases (gnomAD no frequency). This missense change has been observed in individual(s) with clinical features of FKRP-related condition (internal data). ClinVar contains an entry for this variant (Variation ID: 1467100). Invitae Evidence Modeling of protein sequence and biophysical properties (such as structural, functional, and spatial information, amino acid conservation, physicochemical variation, residue mobility, and thermodynamic stability) has been performed for this missense variant. However, the output from this modeling did not meet the statistical confidence thresholds required to predict the impact of this variant on FKRP protein function. This variant disrupts the p.Arg339 amino acid residue in FKRP. Other variant(s) that disrupt this residue have been determined to be pathogenic (PMID: 14742276, 28688748). This suggests that this residue is clinically significant, and that variants that disrupt this residue are likely to be disease-causing. In summary, the available evidence is currently insufficient to determine the role of this variant in disease. Therefore, it has been classified as a Variant of Uncertain Significance.

Literature cited by the submitters: PubMed 14742276; PubMed 28688748.

NM_024301.5(FKRP):c.1015C>A (p.Arg339Ser)

Gene: FKRP (fukutin related protein; plus strand). Cytogenetic location: 19q13.32.
Variant type: single nucleotide variant.
Coding change: c.1015C>A on transcript NM_024301.5 (MANE Select); coding-DNA position 1015, C replaced by A.
Protein change: p.Arg339Ser; replaces arginine 339 with serine.
Molecular consequence: missense variant.
Genome position (GRCh38, 1-based): chr19:46,756,465, C>A. VCF-style: chr19-46756465-C-A. GRCh37 (hg19) VCF-style: chr19-47259722-C-A.
Other names: c.1015C>A, p.Arg339Ser (NM_001039885.3); short protein forms R339S.
Identifiers: ClinVar variation 1467100 (VCV001467100.5), dbSNP rs2122629515, ClinGen allele CA406496473.